The following is an entry in ClinVar:

NM_002661.5(PLCG2):c.3769A>G (p.Arg1257Gly)

Gene: PLCG2 (phospholipase C gamma 2; plus strand). Cytogenetic location: 16q23.3.
Variant type: single nucleotide variant.
Coding change: c.3769A>G on transcript NM_002661.5 (MANE Select); coding-DNA position 3769, A replaced by G.
Protein change: p.Arg1257Gly; replaces arginine 1257 with glycine.
Molecular consequence: missense variant.
Genome position (GRCh38, 1-based): chr16:81,957,969, A>G. VCF-style: chr16-81957969-A-G. GRCh37 (hg19) VCF-style: chr16-81991574-A-G.
Other names: c.3769A>G, p.Arg1257Gly (NM_001425749.1, NM_001425750.1, NM_001425751.1); short protein forms R1257G.
Identifiers: ClinVar variation 2754246 (VCV002754246.3), dbSNP rs2507826073, ClinGen allele CA396898826.

ClinVar aggregate classification (germline): Uncertain significance (1 of 4 stars; one submission).

Conditions:
Familial cold autoinflammatory syndrome 3 (FCAS3). Also called: FAMILIAL ATYPICAL COLD URTICARIA; ANTIBODY DEFICIENCY AND IMMUNE DYSREGULATION, PLCG2-ASSOCIATED. Identifiers: Orphanet 300359, MedGen C3280914, MONDO:0013766, OMIM 614468.

Submission:

Labcorp Genetics (formerly Invitae), Labcorp
Classification: Uncertain significance for Familial cold autoinflammatory syndrome 3. Last evaluated: 2023-08-06. Review status: criteria provided, single submitter. Criteria: Invitae Variant Classification Sherloc (09022015). Collection method: clinical testing. Allele origin: germline.
Comment: This variant is not present in population databases (gnomAD no frequency). This sequence change replaces arginine, which is basic and polar, with glycine, which is neutral and non-polar, at codon 1257 of the PLCG2 protein (p.Arg1257Gly). This variant has not been reported in the literature in individuals affected with PLCG2-related conditions. An algorithm developed to predict the effect of missense changes on protein structure and function (PolyPhen-2) suggests that this variant is likely to be tolerated. Algorithms developed to predict the effect of sequence changes on RNA splicing suggest that this variant may disrupt the consensus splice site. In summary, the available evidence is currently insufficient to determine the role of this variant in disease. Therefore, it has been classified as a Variant of Uncertain Significance.